The following is an entry in ClinVar:

ClinVar aggregate classification (germline): Likely benign (0 of 4 stars; one submission).

Conditions:
ARHGEF28-related disorder. Also called: ARHGEF28-related condition.

Allele frequency attached by ClinVar (database versions not stated): gnomAD exomes 0.00005; ExAC 0.00028; ESP Exome Variant Server 0.00034; gnomAD 0.00060; TOPMed 0.00061; 1000 Genomes Project 30x 0.00078; 1000 Genomes Project 0.00080.
gnomAD v4.1: 164 of 1,527,940 alleles (0.011%); highest among the groups gnomAD compares: African/African-American, 0.19%; no homozygotes.

Submission:

PreventionGenetics, part of Exact Sciences
Classification: Likely benign for ARHGEF28-related condition. Last evaluated: 2024-04-05. Review status: no assertion criteria provided. Collection method: clinical testing. Allele origin: germline.
Comment: This variant is classified as likely benign based on ACMG/AMP sequence variant interpretation guidelines (Richards et al. 2015 PMID: 25741868, with internal and published modifications).

NM_001177693.2(ARHGEF28):c.1747+9C>T

Gene: ARHGEF28 (Rho guanine nucleotide exchange factor 28; plus strand). Cytogenetic location: 5q13.2.
Variant type: single nucleotide variant.
Coding change: c.1747+9C>T on transcript NM_001177693.2 (MANE Select); 9 bases into the intron after coding-DNA position 1747, C replaced by T.
Molecular consequence: intron variant.
Genome position (GRCh38, 1-based): chr5:73,849,096, C>T. VCF-style: chr5-73849096-C-T. GRCh37 (hg19) VCF-style: chr5-73144921-C-T.
Other names: c.1747+9C>T (NM_001080479.3, NM_001388078.1); c.1453+9C>T (NM_001388076.1); c.808+9C>T (NM_001244364.2).
Identifiers: ClinVar variation 3038496 (VCV003038496.2), dbSNP rs369795118, ClinGen allele CA3304614.